The following is an entry in ClinVar:

NM_004380.3(CREBBP):c.5518G>T (p.Val1840Leu)

Gene: CREBBP (CREB binding lysine acetyltransferase; minus strand). Cytogenetic location: 16p13.3.
Variant type: single nucleotide variant.
Coding change: c.5518G>T on transcript NM_004380.3 (MANE Select); coding-DNA position 5518, G replaced by T.
Protein change: p.Val1840Leu; replaces valine 1840 with leucine.
Molecular consequence: missense variant.
Genome position (GRCh38, 1-based): chr16:3,729,529, C>A on the plus strand (G>T on the coding strand, the complement: CREBBP is on the minus strand). VCF-style: chr16-3729529-C-A. GRCh37 (hg19) VCF-style: chr16-3779530-C-A.
Other names: c.5404G>T, p.Val1802Leu (NM_001079846.1); short protein forms V1802L, V1840L.
Identifiers: ClinVar variation 984550 (VCV000984550.3), dbSNP rs2051853150, ClinGen allele CA394556132.
Genomic context (GRCh38, chr16:3,729,529, plus strand): 5'-GCAGGCGGTGCTGGATCTGCTGCTGGCGGAGCTTGTGTTTGATGTTGAGGCAGAAGGGCA[C>A]GGGGCATTTGTTTTCTTGGCAGTGCTTGGCGTGGTAGCAGCAGAGGGCGATGAGCTGCTT-3'
Protein context (NP_004371.2, residues 1830-1850): AKHCQENKCP[Val1840Leu]PFCLNIKHKL

ClinVar aggregate classification (germline): Conflicting classifications of pathogenicity. Review status: no assertion criteria provided (0 of 4 stars). 2 submissions from 2 submitters: Uncertain significance (1); Likely benign (1). Last evaluated 2024-04-05.

Conditions:
Neurodevelopmental abnormality. Identifiers: MedGen C4022737, HP:0012759.
CREBBP-related disorder. Also called: CREBBP-related disorders; CREBBP-related condition.

Submissions (2):

PreventionGenetics, part of Exact Sciences
Classification: Uncertain significance for CREBBP-related condition. Last evaluated: 2024-04-05. Review status: no assertion criteria provided. Collection method: clinical testing. Allele origin: germline.
Comment: The CREBBP c.5518G>T variant is predicted to result in the amino acid substitution p.Val1840Leu. To our knowledge, this variant has not been reported in the literature or in a large population database, indicating this variant is rare. At this time, the clinical significance of this variant is uncertain due to the absence of conclusive functional and genetic evidence.

Department of Genetics, Rouen University Hospital, Normandy Center for Genomic and Personalized Medicine
Classification: Likely benign for Neurodevelopmental abnormality. Last evaluated: 2020-04-03. Review status: no assertion criteria provided. Collection method: clinical testing. Allele origin: maternal. Affected: yes.